The following is an entry in ClinVar:

ClinVar aggregate classification (germline): Pathogenic (1 of 4 stars; one submission).

Submission:

GeneDx
Classification: Pathogenic. Last evaluated: 2017-10-04. Review status: criteria provided, single submitter. Criteria: GeneDx Variant Classification (06012015). Collection method: clinical testing. Allele origin: germline. Affected: yes.
Comment: The c.4875delG variant in the ANKRD11 gene has not been reported previously as a pathogenic variant nor as a benign variant, to our knowledge. The c.4875delG variant causes a frameshift starting with codon Lysine 1625, changes this amino acid to an Asparagine residue, and creates a premature Stop codon at position 61 of the new reading frame, denoted p.Lys1625AsnfsX61. This variant ispredicted to cause loss of normal protein function either through protein truncation or nonsense-mediated mRNA decay. The c.4875delG variant is not observed in large population cohorts (Lek et al., 2016). We interpret c.4875delG as a pathogenic variant.

NM_013275.6(ANKRD11):c.4875del (p.Lys1625fs)

Gene: ANKRD11 (ankyrin repeat domain containing 11; minus strand). Cytogenetic location: 16q24.3.
Variant type: Deletion.
Coding change: c.4875del on transcript NM_013275.6 (MANE Select); coding-DNA position 4875, one base deleted (G; older notation c.4875delG).
Protein change: p.Lys1625fs; shifts the reading frame from lysine 1625.
Molecular consequence: frameshift variant.
Genome position (GRCh38, 1-based): chr16:89,281,667, C deleted on the plus strand (G on the coding strand, the reverse complement: ANKRD11 is on the minus strand). VCF-style (leftmost placement, unchanged base first): chr16-89281666-GC-G. GRCh37 (hg19) VCF-style: chr16-89348074-GC-G.
Other names: c.4875del, p.Lys1625fs (NM_001256182.2, NM_001256183.2); short protein forms K1625fs.
Identifiers: ClinVar variation 452532 (VCV000452532.2), dbSNP rs1555527511, ClinGen allele CA658658519.
Genomic context (GRCh38, chr16:89,281,666, plus strand): 5'-CCAGCCCCGGCGGTTTCTTAGCAGGAATGTCCAGACCCTTCTTCCGCCCGTCGTCTGCCG[GC>G]TTCGCCTTCTCCTTGAGCTTGGGGTCTCCGGACCGGTGCCTCAGCTTCTCCATTTGCTTC-3'